The following is an entry in ClinVar:

ClinVar aggregate classification (germline): Benign/Likely benign. Review status: criteria provided, multiple submitters, no conflicts (2 of 4 stars). 3 submissions from 3 submitters: Benign (1); Likely benign (2). Last evaluated 2025-07-10.

Conditions:
Hereditary cancer-predisposing syndrome. Also called: Neoplastic Syndromes, Hereditary; Tumor predisposition; Hereditary neoplastic syndrome; Hereditary Cancer Syndrome. Identifiers: Orphanet 140162, MedGen C0027672, MeSH D009386, MONDO:0015356.

Allele frequency attached by ClinVar (database versions not stated): 1000 Genomes Project 0.00938; 1000 Genomes Project 30x 0.01015; TOPMed 0.01289; gnomAD 0.01473 and 0.01505; gnomAD exomes 0.01667; ESP Exome Variant Server 0.01679; ExAC 0.02343.
gnomAD v4.1: 29,784 of 1,604,946 alleles (1.9%); highest among the groups gnomAD compares: Non-Finnish European, 2%; 352 homozygotes.

Submissions (3):

GeneKor MSA
Classification: Benign for Hereditary cancer-predisposing syndrome. Last evaluated: 2025-07-10. Review status: criteria provided, single submitter. Criteria: ACMG Guidelines, 2015. Collection method: clinical testing. Allele origin: germline.

GeneDx
Classification: Likely benign. Last evaluated: 2018-06-12. Review status: criteria provided, single submitter. Criteria: GeneDx Variant Classification (06012015). Collection method: clinical testing. Allele origin: germline. Affected: yes.
Comment: This variant is considered likely benign or benign based on one or more of the following criteria: it is a conservative change, it occurs at a poorly conserved position in the protein, it is predicted to be benign by multiple in silico algorithms, and/or has population frequency not consistent with disease.

Breakthrough Genomics
Classification: Likely benign. Review status: criteria provided, single submitter. Criteria: ACMG Guidelines, 2015. Collection method: not provided. Allele origin: germline. Inheritance: Autosomal dominant inheritance. Affected: yes.

NM_003072.5(SMARCA4):c.4769-44A>G

Gene: SMARCA4 (SWI/SNF related BAF chromatin remodeling complex subunit ATPase 4; plus strand). Cytogenetic location: 19p13.2.
Variant type: single nucleotide variant.
Coding change: c.4769-44A>G on transcript NM_003072.5 (MANE Select); 44 bases into the intron before coding-DNA position 4769, A replaced by G.
Molecular consequence: intron variant.
Genome position (GRCh38, 1-based): chr19:11,060,001, A>G. VCF-style: chr19-11060001-A-G. GRCh37 (hg19) VCF-style: chr19-11170677-A-G.
Other names: c.4769-44A>G (NM_001128844.3); c.4865-44A>G (NM_001128849.3, NM_001387283.1); c.4670-44A>G (NM_001128847.4, NM_001374457.1); c.4679-44A>G (NM_001128845.2); c.4676-44A>G (NM_001128846.2); c.4667-44A>G (NM_001128848.2).
Identifiers: ClinVar variation 676527 (VCV000676527.3), dbSNP rs117490455, ClinGen allele CA9204870.